The following is an entry in ClinVar:

NM_015884.4(MBTPS2):c.291G>A (p.Thr97=)

Gene: MBTPS2 (membrane bound transcription factor peptidase, site 2; plus strand). Cytogenetic location: Xp22.12.
Variant type: single nucleotide variant.
Coding change: c.291G>A on transcript NM_015884.4 (MANE Select); coding-DNA position 291, G replaced by A.
Protein change: p.Thr97=; no amino-acid change (threonine 97 retained).
Molecular consequence: synonymous variant.
Genome position (GRCh38, 1-based): chrX:21,845,237, G>A. VCF-style: chrX-21845237-G-A. GRCh37 (hg19) VCF-style: chrX-21863355-G-A.
Identifiers: ClinVar variation 425483 (VCV000425483.49), dbSNP rs143335256, ClinGen allele CA10367326.

ClinVar aggregate classification (germline): Likely benign. Review status: criteria provided, multiple submitters, no conflicts (2 of 4 stars). 3 submissions from 3 submitters: Likely benign (3). Last evaluated 2025-07-01.

Allele frequency attached by ClinVar (database versions not stated): TOPMed 0.00006; ExAC 0.00008; gnomAD exomes 0.00008 and 0.00015; gnomAD 0.00009 and 0.00010; ESP Exome Variant Server 0.00019.
gnomAD v4.1: 169 of 1,209,439 alleles (0.014%); highest among the groups gnomAD compares: Non-Finnish European, 0.019%; no homozygotes.

Submissions (3):

CeGaT Center for Human Genetics Tuebingen
Classification: Likely benign. Last evaluated: 2025-07-01. Review status: criteria provided, single submitter. Criteria: CeGaT Center For Human Genetics Tuebingen Variant Classification Criteria Version 2. Collection method: clinical testing. Allele origin: germline. Affected: yes. Observed: 2 variant alleles.
Comment: MBTPS2: BP4, BP7, BS2

Labcorp Genetics (formerly Invitae), Labcorp
Classification: Likely benign. Last evaluated: 2025-04-16. Review status: criteria provided, single submitter. Criteria: Invitae Variant Classification Sherloc (09022015). Collection method: clinical testing. Allele origin: germline.

Women's Health and Genetics/Laboratory Corporation of America, LabCorp
Classification: Likely benign. Last evaluated: 2024-12-09. Review status: criteria provided, single submitter. Criteria: LabCorp Variant Classification Summary - May 2015. Collection method: clinical testing. Allele origin: germline.